The following is an entry in ClinVar:

ClinVar aggregate classification (germline): Uncertain significance (1 of 4 stars; one submission).

Conditions:
Wilms tumor 1 (WT1). Also called: Wilms tumor, somatic. Identifiers: Orphanet 654, MedGen CN033288, MONDO:0008679, OMIM 194070.

gnomAD v4.1: 2 of 1,201,109 alleles (0.00017%); highest among the groups gnomAD compares: South Asian, 0.0036%; no homozygotes.

Submission:

Labcorp Genetics (formerly Invitae), Labcorp
Classification: Uncertain significance for Wilms tumor 1. Last evaluated: 2019-02-14. Review status: criteria provided, single submitter. Criteria: Invitae Variant Classification Sherloc (09022015). Collection method: clinical testing. Allele origin: germline.
Comment: This variant has not been reported in the literature in individuals with GPC3-related disease. ClinVar contains an entry for this variant (Variation ID: 543086). This variant is not present in population databases (ExAC no frequency). This sequence change replaces proline with leucine at codon 27 of the GPC3 protein (p.Pro27Leu). The proline residue is weakly conserved and there is a moderate physicochemical difference between proline and leucine. Algorithms developed to predict the effect of missense changes on protein structure and function do not agree on the potential impact of this missense change (SIFT: "Tolerated"; PolyPhen-2: "Possibly Damaging"; Align-GVGD: "Class C0"). In summary, the available evidence is currently insufficient to determine the role of this variant in disease. Therefore, it has been classified as a Variant of Uncertain Significance.

NM_004484.4(GPC3):c.80C>T (p.Pro27Leu)

Gene: GPC3 (glypican 3; minus strand). Cytogenetic location: Xq26.2.
Variant type: single nucleotide variant.
Coding change: c.80C>T on transcript NM_004484.4 (MANE Select); coding-DNA position 80, C replaced by T.
Protein change: p.Pro27Leu; replaces proline 27 with leucine.
Molecular consequence: missense variant.
Genome position (GRCh38, 1-based): chrX:133,985,370, G>A on the plus strand (C>T on the coding strand, the complement: GPC3 is on the minus strand). VCF-style: chrX-133985370-G-A. GRCh37 (hg19) VCF-style: chrX-133119397-G-A.
Other names: c.80C>T, p.Pro27Leu (NM_001164617.2, NM_001164618.2, NM_001164619.2); short protein forms P27L.
Identifiers: ClinVar variation 543086 (VCV000543086.9), dbSNP rs1556367809, ClinGen allele CA414707079.